The following is an entry in ClinVar:

ClinVar aggregate classification (germline): Likely pathogenic. Review status: criteria provided, single submitter (1 of 4 stars). 2 submissions from 2 submitters: Likely pathogenic (1). 1 of the submissions does not count toward it. Last evaluated 2022-06-20.

Conditions:
Cleidocranial dysostosis (CLCD1). Also called: Cleidocranial Dysplasia Spectrum Disorder; cleidocranial dysplasia 1; Marie-Sainton disease. Identifiers: Orphanet 1452, MedGen C0008928, MONDO:0007340, OMIM 119600.

Submissions (2):

Laboratorio de Genetica e Diagnostico Molecular, Hospital Israelita Albert Einstein
Classification: Likely pathogenic for Cleidocranial dysostosis. Last evaluated: 2022-06-20. Review status: criteria provided, single submitter. Criteria: ACMG Guidelines, 2015. Collection method: clinical testing. Allele origin: germline. Affected: yes. Observed: 1 variant allele.
Comment: ACMG classification criteria: PS4 moderated, PM2 moderated, PM6 moderated, PP3 supporting

OMIM
Classification: Pathogenic for CLEIDOCRANIAL DYSPLASIA 1. Last evaluated: 1997-07-01. Review status: no assertion criteria provided. Collection method: literature only. Allele origin: germline. Not counted in ClinVar's aggregate classification.

Literature cited by the submitters: PubMed 9207800 (cited by OMIM).

NM_001024630.4(RUNX2):c.524T>G (p.Met175Arg)

Gene: RUNX2 (RUNX family transcription factor 2; plus strand). Cytogenetic location: 6p21.1.
Variant type: single nucleotide variant.
Coding change: c.524T>G on transcript NM_001024630.4 (MANE Select); coding-DNA position 524, T replaced by G.
Protein change: p.Met175Arg; replaces methionine 175 with arginine.
Molecular consequence: missense variant.
Genome position (GRCh38, 1-based): chr6:45,431,963, T>G. VCF-style: chr6-45431963-T-G. GRCh37 (hg19) VCF-style: chr6-45399700-T-G.
Other names: c.524T>G, p.Met175Arg (NM_001015051.4); c.482T>G, p.Met161Arg (NM_001278478.2, NM_001369405.1); short protein forms M175R, M161R.
Identifiers: ClinVar variation 9298 (VCV000009298.3), dbSNP rs104893989, ClinGen allele CA280136.